The following is an entry in ClinVar:

NM_000550.3(TYRP1):c.469C>T (p.Pro157Ser)

Gene: TYRP1 (tyrosinase related protein 1; plus strand). Cytogenetic location: 9p23.
Variant type: single nucleotide variant.
Coding change: c.469C>T on transcript NM_000550.3 (MANE Select); coding-DNA position 469, C replaced by T.
Protein change: p.Pro157Ser; replaces proline 157 with serine.
Molecular consequence: missense variant.
Genome position (GRCh38, 1-based): chr9:12,695,598, C>T. VCF-style: chr9-12695598-C-T. GRCh37 (hg19) VCF-style: chr9-12695598-C-T.
Other names: short protein forms P157S.
Identifiers: ClinVar variation 2659069 (VCV002659069.24), dbSNP rs1818063317, ClinGen allele CA372937153.

ClinVar aggregate classification (germline): Uncertain significance (1 of 4 stars; one submission).

Allele frequency attached by ClinVar (database versions not stated): gnomAD exomes below 0.00001; TOPMed below 0.00001.

Submission:

CeGaT Center for Human Genetics Tuebingen
Classification: Uncertain significance. Last evaluated: 2023-10-01. Review status: criteria provided, single submitter. Criteria: CeGaT Center For Human Genetics Tuebingen Variant Classification Criteria Version 2. Collection method: clinical testing. Allele origin: germline. Affected: yes. Observed: 1 variant allele.
Comment: TYRP1: PM2